The following is an entry in ClinVar:

ClinVar aggregate classification (germline): Uncertain significance. Review status: criteria provided, multiple submitters, no conflicts (2 of 4 stars). 4 submissions from 4 submitters: Uncertain significance (4). Last evaluated 2025-12-19.

Conditions:
Cardiovascular phenotype. Identifiers: MedGen CN230736.
Spinocerebellar ataxia type 19/22 (SCA19). Also called: SPINOCEREBELLAR ATAXIA 19; SPINOCEREBELLAR ATAXIA 22. Identifiers: Orphanet 98772, MedGen C1846367, MONDO:0011819, OMIM 607346.
Brugada syndrome 9 (BRGDA9). Identifiers: Orphanet 130, MedGen C4225340, MONDO:0014621, OMIM 616399.

Allele frequency attached by ClinVar (database versions not stated): gnomAD exomes 0.00001 and 0.00002; ExAC 0.00003.
gnomAD v4.1: 7 of 1,614,150 alleles (0.00043%); highest among the groups gnomAD compares: Admixed American, 0.01%; no homozygotes.

Submissions (4):

Ambry Genetics
Classification: Uncertain significance for Cardiovascular phenotype. Last evaluated: 2025-12-19. Review status: criteria provided, single submitter. Criteria: Ambry Variant Classification Scheme 2023. Collection method: clinical testing. Allele origin: germline.
Comment: The p.V649A variant (also known as c.1946T>C), located in coding exon 7 of the KCND3 gene, results from a T to C substitution at nucleotide position 1946. The valine at codon 649 is replaced by alanine, an amino acid with similar properties. This amino acid position is conserved. In addition, the in silico prediction for this alteration is inconclusive. Based on the available evidence, the clinical significance of this variant remains unclear.

Athena Diagnostics
Classification: Uncertain significance. Last evaluated: 2024-05-17. Review status: criteria provided, single submitter. Criteria: Athena Diagnostics Criteria. Collection method: clinical testing. Allele origin: unknown.

Labcorp Genetics (formerly Invitae), Labcorp
Classification: Uncertain significance for Spinocerebellar ataxia type 19/22. Last evaluated: 2023-07-10. Review status: criteria provided, single submitter. Criteria: Invitae Variant Classification Sherloc (09022015). Collection method: clinical testing. Allele origin: germline.
Comment: In summary, the available evidence is currently insufficient to determine the role of this variant in disease. Therefore, it has been classified as a Variant of Uncertain Significance. An algorithm developed to predict the effect of missense changes on protein structure and function (PolyPhen-2) suggests that this variant is likely to be tolerated. ClinVar contains an entry for this variant (Variation ID: 1027158). This variant has not been reported in the literature in individuals affected with KCND3-related conditions. This variant is present in population databases (rs760907112, gnomAD 0.02%). This sequence change replaces valine, which is neutral and non-polar, with alanine, which is neutral and non-polar, at codon 649 of the KCND3 protein (p.Val649Ala).

Fulgent Genetics
Classification: Uncertain significance for Spinocerebellar ataxia type 19/22; Brugada syndrome 9. Last evaluated: 2021-09-24. Review status: criteria provided, single submitter. Criteria: ACMG Guidelines, 2015. Collection method: clinical testing. Allele origin: unknown.

NM_001378969.1(KCND3):c.1946T>C (p.Val649Ala)

Gene: KCND3 (potassium voltage-gated channel subfamily D member 3; minus strand). Cytogenetic location: 1p13.2.
Variant type: single nucleotide variant.
Coding change: c.1946T>C on transcript NM_001378969.1 (MANE Select); coding-DNA position 1946, T replaced by C.
Protein change: p.Val649Ala; replaces valine 649 with alanine.
Molecular consequence: missense variant.
Genome position (GRCh38, 1-based): chr1:111,776,099, A>G on the plus strand (T>C on the coding strand, the complement: KCND3 is on the minus strand). VCF-style: chr1-111776099-A-G. GRCh37 (hg19) VCF-style: chr1-112318721-A-G.
Other names: c.1889T>C, p.Val630Ala (NM_001378970.1, NM_172198.3); c.1946T>C, p.Val649Ala (NM_004980.5); short protein forms V630A, V649A.
Identifiers: ClinVar variation 1027158 (VCV001027158.11), dbSNP rs760907112, ClinGen allele CA1007310.
Genomic context (GRCh38, chr1:111,776,099, plus strand): 5'-ATTCCCCACTACCCACTCTGGCCCTCTGTCCAGTGGTTTTACAAGGCGGAGACCTTGACA[A>G]CATTGCTGGCTATGGAAGGAATGTTCGTGTTGGGGCCTGGGCTGGCAGGGGGTGGCCGAC-3'
Protein context (NP_001365898.1, residues 639-655): NTNIPSIASN[Val649Ala]VKVSAL